The following is an entry in ClinVar:

NM_152618.3(BBS12):c.713A>G (p.Asn238Ser)

Gene: BBS12 (Bardet-Biedl syndrome 12; plus strand). Cytogenetic location: 4q27.
Variant type: single nucleotide variant.
Coding change: c.713A>G on transcript NM_152618.3 (MANE Select); coding-DNA position 713, A replaced by G.
Protein change: p.Asn238Ser; replaces asparagine 238 with serine.
Molecular consequence: missense variant.
Genome position (GRCh38, 1-based): chr4:122,742,605, A>G. VCF-style: chr4-122742605-A-G. GRCh37 (hg19) VCF-style: chr4-123663760-A-G.
Other names: c.713A>G, p.Asn238Ser (NM_001178007.2); short protein forms N238S.
Identifiers: ClinVar variation 5001344 (VCV005001344.1).

ClinVar aggregate classification (germline): Uncertain significance (1 of 4 stars; one submission).

Conditions:
BBS12-related disorder. Also called: BBS12-related condition.

gnomAD v4.1: 1 of 1,614,250 alleles (0.000062%); highest among the groups gnomAD compares: Non-Finnish European, 0.000085%; no homozygotes.

Submission:

PreventionGenetics, part of Exact Sciences
Classification: Uncertain significance for BBS12-related condition. Last evaluated: 2025-04-05. Review status: criteria provided, single submitter. Criteria: ACMG Guidelines, 2015. Collection method: clinical testing. Allele origin: germline.
Comment: The BBS12 c.713A>G variant is predicted to result in the amino acid substitution p.Asn238Ser. To our knowledge, this variant has not been reported in the literature or in a large population database (gnomAD), indicating this variant is rare. At this time, the clinical significance of this variant is uncertain due to the absence of conclusive functional and genetic evidence.